The following is an entry in ClinVar:

NM_001199107.2(TBC1D24):c.478G>T (p.Ala160Ser)

Gene: TBC1D24 (TBC1 domain family member 24; plus strand). Cytogenetic location: 16p13.3.
Variant type: single nucleotide variant.
Coding change: c.478G>T on transcript NM_001199107.2 (MANE Select); coding-DNA position 478, G replaced by T.
Protein change: p.Ala160Ser; replaces alanine 160 with serine.
Molecular consequence: missense variant.
Genome position (GRCh38, 1-based): chr16:2,496,626, G>T. VCF-style: chr16-2496626-G-T. GRCh37 (hg19) VCF-style: chr16-2546627-G-T.
Other names: c.478G>T, p.Ala160Ser (NM_020705.3); c.478G>T (NM_001199107.1); short protein forms A160S.
Identifiers: ClinVar variation 1027003 (VCV001027003.5), dbSNP rs1277641753, ClinGen allele CA394376176.

ClinVar aggregate classification (germline): Uncertain significance. Review status: criteria provided, multiple submitters, no conflicts (2 of 4 stars). 2 submissions from 2 submitters: Uncertain significance (2). Last evaluated 2025-04-28.

Conditions:
Caused by mutation in the TBC1 domain family, member 24.
Developmental and epileptic encephalopathy, 1 (DEE1). Also called: X-linked infantile spasms; West's syndrome; Tonic spasms with clustering, arrest of psychomotor development and hypsarrhythmia on EEG; X-Linked Infantile Spasm Syndrome; OHTAHARA SYNDROME, X-LINKED; Epileptic encephalopathy, early infantile, 1. Identifiers: MedGen C3463992, MONDO:0010632, OMIM 308350. Disease mechanism: loss of function.
Autosomal dominant nonsyndromic hearing loss 65. Also called: Deafness, autosomal dominant 65; TBC1D24-Related Autosomal Dominant Nonsyndromic Hearing Loss (DFNA). Identifiers: Orphanet 90635, MedGen C3892048, MONDO:0014470, OMIM 616044.

Allele frequency attached by ClinVar (database versions not stated): gnomAD 0.00001; gnomAD exomes below 0.00001; TOPMed 0.00001.
gnomAD v4.1: 2 of 1,611,750 alleles (0.00012%); highest among the groups gnomAD compares: Non-Finnish European, 0.00017%; no homozygotes.

Submissions (2):

GeneDx
Classification: Uncertain significance. Last evaluated: 2025-04-28. Review status: criteria provided, single submitter. Criteria: GeneDx Variant Classification Process June 2021. Collection method: clinical testing. Allele origin: germline. Affected: yes.
Comment: Not observed at significant frequency in large population cohorts (gnomAD); In silico analysis indicates that this missense variant does not alter protein structure/function; Has not been previously published as pathogenic or benign to our knowledge

Labcorp Genetics (formerly Invitae), Labcorp
Classification: Uncertain significance for Developmental and epileptic encephalopathy, 1; Autosomal dominant nonsyndromic hearing loss 65. Last evaluated: 2021-08-24. Review status: criteria provided, single submitter. Criteria: Invitae Variant Classification Sherloc (09022015). Collection method: clinical testing. Allele origin: germline.